The following is an entry in ClinVar:

NM_000548.5(TSC2):c.2097+6T>G

Gene: TSC2 (TSC complex subunit 2; plus strand). Cytogenetic location: 16p13.3.
Variant type: single nucleotide variant.
Coding change: c.2097+6T>G on transcript NM_000548.5 (MANE Select); 6 bases into the intron after coding-DNA position 2097, T replaced by G.
Molecular consequence: intron variant.
Genome position (GRCh38, 1-based): chr16:2,071,940, T>G. VCF-style: chr16-2071940-T-G. GRCh37 (hg19) VCF-style: chr16-2121941-T-G.
Other names: c.753+6T>G (NM_001406693.1, NM_001406689.1, NM_001406690.1 and 6 more transcripts); c.2187+6T>G (NM_001406667.1, NM_001406668.1); c.1497+6T>G (NM_001406680.1, NM_001406683.1, NM_001406687.1 and 6 more transcripts); c.495+6T>G (NM_001406698.1); c.2097+6T>G (NM_001114382.3, NM_001406663.1, NM_001406664.1 and 6 more transcripts); c.2085+6T>G (NM_001406671.1, NM_001406673.1); c.1635+6T>G (NM_001406681.1); c.1986+6T>G (NM_001406670.1, NM_001318827.2, NM_001406678.1); and 3 more.
Identifiers: ClinVar variation 3657382 (VCV003657382.2).

ClinVar aggregate classification (germline): Uncertain significance (1 of 4 stars; one submission).

Conditions:
Tuberous sclerosis 2 (TSC2). Identifiers: Orphanet 805, MedGen C1860707, MONDO:0013199, OMIM 613254.

Submission:

Labcorp Genetics (formerly Invitae), Labcorp
Classification: Uncertain significance for Tuberous sclerosis 2. Last evaluated: 2024-06-22. Review status: criteria provided, single submitter. Criteria: Invitae Variant Classification Sherloc (09022015). Collection method: clinical testing. Allele origin: germline.
Comment: This sequence change falls in intron 19 of the TSC2 gene. It does not directly change the encoded amino acid sequence of the TSC2 protein. It affects a nucleotide within the consensus splice site. This variant is present in population databases (rs762550686, gnomAD 0.004%). This variant has not been reported in the literature in individuals affected with TSC2-related conditions. Variants that disrupt the consensus splice site are a relatively common cause of aberrant splicing (PMID: 17576681, 9536098). Algorithms developed to predict the effect of sequence changes on RNA splicing suggest that this variant is not likely to affect RNA splicing. In summary, the available evidence is currently insufficient to determine the role of this variant in disease. Therefore, it has been classified as a Variant of Uncertain Significance.

Literature cited by the submitters: PubMed 17576681; PubMed 9536098.